The following is an entry in ClinVar:

NM_001130987.2(DYSF):c.5886_5888delinsTT (p.Leu1964fs)

Gene: DYSF (dysferlin; plus strand). Cytogenetic location: 2p13.2.
Variant type: Indel.
Coding change: c.5886_5888delinsTT on transcript NM_001130987.2 (MANE Select); coding-DNA positions 5886 to 5888, CTC replaced by TT.
Protein change: p.Leu1964fs; shifts the reading frame from leucine 1964.
Molecular consequence: frameshift variant.
Genome position (GRCh38, 1-based): chr2:71,679,058-71,679,060, CTC replaced by TT. VCF-style: chr2-71679058-CTC-TT. GRCh37 (hg19) VCF-style: chr2-71906188-CTC-TT.
Other names: c.5772_5774delinsTT, p.Leu1926fs (NM_001130455.2); c.5727_5729delinsTT, p.Leu1911fs (NM_001130976.2); c.5790_5792delinsTT, p.Leu1932fs (NM_001130977.2); c.5832_5834delinsTT, p.Leu1946fs (NM_001130978.2); c.5862_5864delinsTT, p.Leu1956fs (NM_001130979.2); c.5820_5822delinsTT, p.Leu1942fs (NM_001130980.2); c.5883_5885delinsTT, p.Leu1963fs (NM_001130981.2); c.5865_5867delinsTT, p.Leu1957fs (NM_001130982.2); and 5 more; short protein forms L1911fs, L1912fs, L1925fs, L1926fs, L1932fs, L1933fs, L1942fs, L1943fs.
Identifiers: ClinVar variation 5015839 (VCV005015839.1).

ClinVar aggregate classification (germline): Pathogenic (1 of 4 stars; one submission).

Conditions:
Autosomal recessive limb-girdle muscular dystrophy. Identifiers: Orphanet 102015, MedGen C2931907, MONDO:0015152.

Submission:

Myriad Genetics, Inc.
Classification: Pathogenic for Autosomal recessive limb-girdle muscular dystrophy. Last evaluated: 2026-04-29. Review status: criteria provided, single submitter. Criteria: Myriad Autosomal Dominant, Autosomal Recessive and X-Linked Classification Criteria (2023). Collection method: clinical testing. Allele origin: unknown.
Comment: NM_003494.3(DYSF):c.5769_5771delCTCinsTT(L1925Cfs*41) is expected to be pathogenic in the context of dysferlinopathy. This variant is predicted to lead to an abnormal or absent protein product due to the creation of a premature termination codon in DYSF, a gene where loss-of-function variants are known to be pathogenic. Please note: this variant was assessed in the context of healthy population screening.